The following is an entry in ClinVar:

NM_022489.4(INF2):c.344T>G (p.Ile115Ser)

Gene: INF2 (inverted formin 2; plus strand). Cytogenetic location: 14q32.33.
Variant type: single nucleotide variant.
Coding change: c.344T>G on transcript NM_022489.4 (MANE Select); coding-DNA position 344, T replaced by G.
Protein change: p.Ile115Ser; replaces isoleucine 115 with serine.
Molecular consequence: missense variant.
Genome position (GRCh38, 1-based): chr14:104,701,709, T>G. VCF-style: chr14-104701709-T-G. GRCh37 (hg19) VCF-style: chr14-105168046-T-G.
Other names: c.344T>G, p.Ile115Ser (NM_001031714.4, NM_032714.3); short protein forms I115S.
Identifiers: ClinVar variation 1363986 (VCV001363986.8), dbSNP rs2140639483, ClinGen allele CA391225925.

ClinVar aggregate classification (germline): Uncertain significance (1 of 4 stars; one submission).

Conditions:
Focal segmental glomerulosclerosis 5 (FSGS5). Identifiers: Orphanet 656, MedGen C2750475, MONDO:0013191, OMIM 613237.
Charcot-Marie-Tooth disease dominant intermediate E. Also called: CHARCOT-MARIE-TOOTH NEUROPATHY WITH FOCAL SEGMENTAL GLOMERULONEPHRITIS. Identifiers: Orphanet 93114, MedGen C4302667, MONDO:0013758, OMIM 614455.

Submission:

Labcorp Genetics (formerly Invitae), Labcorp
Classification: Uncertain significance for Charcot-Marie-Tooth disease dominant intermediate E; Focal segmental glomerulosclerosis 5. Last evaluated: 2021-01-10. Review status: criteria provided, single submitter. Criteria: Invitae Variant Classification Sherloc (09022015). Collection method: clinical testing. Allele origin: germline.
Comment: In summary, the available evidence is currently insufficient to determine the role of this variant in disease. Therefore, it has been classified as a Variant of Uncertain Significance. Algorithms developed to predict the effect of missense changes on protein structure and function are either unavailable or do not agree on the potential impact of this missense change (SIFT: "Deleterious"; PolyPhen-2: "Probably Damaging"; Align-GVGD: "Class C0"). This variant has not been reported in the literature in individuals with INF2-related conditions. The frequency data for this variant in the population databases is considered unreliable, as metrics indicate insufficient coverage at this position in the ExAC database. This sequence change replaces isoleucine with serine at codon 115 of the INF2 protein (p.Ile115Ser). The isoleucine residue is highly conserved and there is a large physicochemical difference between isoleucine and serine.